The following is an entry in ClinVar:

Conditions:
Breast-ovarian cancer, familial, susceptibility to, 1 (BROVCA1). Also called: BRCA1 Hereditary Breast and Ovarian Cancer; OVARIAN CANCER, SUSCEPTIBILITY TO. Identifiers: Orphanet 145, MedGen C2676676, MONDO:0011450, OMIM 604370. Disease mechanism: loss of function.

Submission:

Brotman Baty Institute, University of Washington
No classification provided (evidence only). Condition: Breast-ovarian cancer, familial 1. Review status: no classification provided. Collection method: in vitro. Allele origin: not applicable. Functional consequence: functionally_normal.
ClinVar note: "not provided" was previously submitted as the classification for the variant. However, the classification appeared to be based only on an observation of functional data so it was converted to no classification on 2025-07-30.

NM_007294.4(BRCA1):c.5563A>C (p.Ile1855Leu)

Gene: BRCA1 (BRCA1 DNA repair associated; minus strand). Cytogenetic location: 17q21.31.
Variant type: single nucleotide variant.
Coding change: c.5563A>C on transcript NM_007294.4 (MANE Select); coding-DNA position 5563, A replaced by C.
Protein change: p.Ile1855Leu; replaces isoleucine 1855 with leucine.
Molecular consequence: missense variant. On other transcripts: 3 prime UTR variant (1), non-coding transcript variant (1).
Genome position (GRCh38, 1-based): chr17:43,045,707, T>G on the plus strand (A>C on the coding strand, the complement: BRCA1 is on the minus strand). VCF-style: chr17-43045707-T-G. GRCh37 (hg19) VCF-style: chr17-41197724-T-G.
Other names: c.5557A>C, p.Ile1853Leu (NM_001407641.1, NM_001407642.1, NM_001407632.1 and 13 more transcripts); c.5554A>C, p.Ile1852Leu (NM_001407644.1, NM_001407645.1); c.5551A>C, p.Ile1851Leu (NM_001407646.1); c.5548A>C, p.Ile1850Leu (NM_001407647.1); c.5506A>C, p.Ile1836Leu (NM_001407648.1); c.5503A>C, p.Ile1835Leu (NM_001407649.1); c.5485A>C, p.Ile1829Leu (NM_001407652.1, NM_001407653.1, NM_001407654.1 and 1 more transcripts); c.*77A>C (NM_001407937.1, NM_001407938.1, NM_001407939.1 and 14 more transcripts); and 74 more; short protein forms I1808L, I1876L, I751L, I1855L, I1559L, I1744L, I1767L, I1811L.
Identifiers: ClinVar variation 868676 (VCV000868676.3), dbSNP rs2050858402, ClinGen allele CA10590200.
Genomic context (GRCh38, chr17:43,045,707, plus strand): 5'-CCTGTGGCTCTGTACCTGTGGCTGGCTGCAGTCAGTAGTGGCTGTGGGGGATCTGGGGTA[T>G]CAGGTAGGTGTCCAGCTCCTGGCACTGGTAGAGTGCTACACTGTCCAACACCCACTCTCG-3'
Protein context (NP_009225.1, residues 1845-1863): YQCQELDTYL[Ile1855Leu]PQIPHSHY